The following is an entry in ClinVar:

ClinVar aggregate classification (germline): Uncertain significance (1 of 4 stars; one submission).

Submission:

Labcorp Genetics (formerly Invitae), Labcorp
Classification: Uncertain significance. Last evaluated: 2024-01-29. Review status: criteria provided, single submitter. Criteria: Invitae Variant Classification Sherloc (09022015). Collection method: clinical testing. Allele origin: germline.
Comment: This sequence change replaces glutamic acid, which is acidic and polar, with aspartic acid, which is acidic and polar, at codon 1128 of the LAMB1 protein (p.Glu1128Asp). This variant is not present in population databases (gnomAD no frequency). This variant has not been reported in the literature in individuals affected with LAMB1-related conditions. An algorithm developed to predict the effect of missense changes on protein structure and function (PolyPhen-2) suggests that this variant is likely to be tolerated. In summary, the available evidence is currently insufficient to determine the role of this variant in disease. Therefore, it has been classified as a Variant of Uncertain Significance.

NM_002291.3(LAMB1):c.3384G>C (p.Glu1128Asp)

Gene: LAMB1 (laminin subunit beta 1; minus strand). Cytogenetic location: 7q31.1.
Variant type: single nucleotide variant.
Coding change: c.3384G>C on transcript NM_002291.3 (MANE Select); coding-DNA position 3384, G replaced by C.
Protein change: p.Glu1128Asp; replaces glutamic acid 1128 with aspartic acid.
Molecular consequence: missense variant.
Genome position (GRCh38, 1-based): chr7:107,951,233, C>G on the plus strand (G>C on the coding strand, the complement: LAMB1 is on the minus strand). VCF-style: chr7-107951233-C-G. GRCh37 (hg19) VCF-style: chr7-107591678-C-G.
Other names: short protein forms E1128D.
Identifiers: ClinVar variation 2698656 (VCV002698656.3), dbSNP rs1428242356, ClinGen allele CA368861579.